The following is an entry in ClinVar:

NM_001737.5(C9):c.1111G>C (p.Gly371Arg)

Gene: C9 (complement C9; minus strand). Cytogenetic location: 5p13.1.
Variant type: single nucleotide variant.
Coding change: c.1111G>C on transcript NM_001737.5 (MANE Select); coding-DNA position 1111, G replaced by C.
Protein change: p.Gly371Arg; replaces glycine 371 with arginine.
Molecular consequence: missense variant.
Genome position (GRCh38, 1-based): chr5:39,311,137, C>G on the plus strand (G>C on the coding strand, the complement: C9 is on the minus strand). VCF-style: chr5-39311137-C-G. GRCh37 (hg19) VCF-style: chr5-39311239-C-G.
Other names: short protein forms G371R.
Identifiers: ClinVar variation 2127248 (VCV002127248.2), dbSNP rs745342645, ClinGen allele CA359555851.

ClinVar aggregate classification (germline): Uncertain significance (1 of 4 stars; one submission).

Allele frequency attached by ClinVar (database versions not stated): gnomAD 0.00001; TOPMed 0.00001.
gnomAD v4.1: 2 of 1,613,194 alleles (0.00012%); highest among the groups gnomAD compares: African/African-American, 0.0013%; no homozygotes.

Submission:

Labcorp Genetics (formerly Invitae), Labcorp
Classification: Uncertain significance. Last evaluated: 2023-02-09. Review status: criteria provided, single submitter. Criteria: Invitae Variant Classification Sherloc (09022015). Collection method: clinical testing. Allele origin: germline.
Comment: This sequence change replaces glycine, which is neutral and non-polar, with arginine, which is basic and polar, at codon 371 of the C9 protein (p.Gly371Arg). This variant also falls at the last nucleotide of exon 7, which is part of the consensus splice site for this exon. This variant is not present in population databases (gnomAD no frequency). This variant has not been reported in the literature in individuals affected with C9-related conditions. An algorithm developed to predict the effect of missense changes on protein structure and function (PolyPhen-2) suggests that this variant is likely to be disruptive. Variants that disrupt the consensus splice site are a relatively common cause of aberrant splicing (PMID: 17576681, 9536098). Algorithms developed to predict the effect of sequence changes on RNA splicing suggest that this variant may disrupt the consensus splice site. In summary, the available evidence is currently insufficient to determine the role of this variant in disease. Therefore, it has been classified as a Variant of Uncertain Significance.

Literature cited by the submitters: PubMed 17576681; PubMed 9536098.